The following is an entry in ClinVar:

ClinVar aggregate classification (germline): Uncertain significance (1 of 4 stars; one submission).

Conditions:
Neuroblastoma, susceptibility to, 3. Also called: ALK-Related Neuroblastic Tumor Susceptibility. Identifiers: Orphanet 635, MedGen C2751681, MONDO:0013083, OMIM 613014.

gnomAD v4.1: 1 of 1,614,150 alleles (0.000062%); highest among the groups gnomAD compares: South Asian, 0.0011%; no homozygotes.

Submission:

Labcorp Genetics (formerly Invitae), Labcorp
Classification: Uncertain significance for Neuroblastoma, susceptibility to, 3. Last evaluated: 2025-12-24. Review status: criteria provided, single submitter. Criteria: Invitae Variant Classification Sherloc (09022015). Collection method: clinical testing. Allele origin: germline.
Comment: This sequence change replaces glycine, which is neutral and non-polar, with serine, which is neutral and polar, at codon 492 of the ALK protein (p.Gly492Ser). This variant is not present in population databases (gnomAD no frequency). This variant has not been reported in the literature in individuals affected with ALK-related conditions. ClinVar contains an entry for this variant (Variation ID: 1440362). An algorithm developed to predict the effect of missense changes on protein structure and function outputs the following: PolyPhen-2: "Benign". The serine amino acid residue is found in multiple mammalian species, which suggests that this missense change does not adversely affect protein function. In summary, the available evidence is currently insufficient to determine the role of this variant in disease. Therefore, it has been classified as a Variant of Uncertain Significance.

NM_004304.5(ALK):c.1474G>A (p.Gly492Ser)

Gene: ALK (ALK receptor tyrosine kinase; minus strand). Cytogenetic location: 2p23.2.
Variant type: single nucleotide variant.
Coding change: c.1474G>A on transcript NM_004304.5 (MANE Select); coding-DNA position 1474, G replaced by A.
Protein change: p.Gly492Ser; replaces glycine 492 with serine.
Molecular consequence: missense variant.
Genome position (GRCh38, 1-based): chr2:29,320,823, C>T on the plus strand (G>A on the coding strand, the complement: ALK is on the minus strand). VCF-style: chr2-29320823-C-T. GRCh37 (hg19) VCF-style: chr2-29543689-C-T.
Other names: short protein forms G492S.
Identifiers: ClinVar variation 1440362 (VCV001440362.6), dbSNP rs1667014493, ClinGen allele CA346472462.